The following is an entry in ClinVar:

ClinVar aggregate classification (germline): Uncertain significance (1 of 4 stars; one submission).

Conditions:
Ataxia-telangiectasia syndrome (AT). Also called: LOUIS-BAR SYNDROME; Cerebello-oculocutaneous telangiectasia; Immunodeficiency with ataxia telangiectasia; Ataxia telangiectasia (A-T); Ataxia-telangiectasia, complementation group D; AT, COMPLEMENTATION GROUP C. Identifiers: Orphanet 100, MedGen C0004135, MONDO:0008840, OMIM 208900.

Submission:

Labcorp Genetics (formerly Invitae), Labcorp
Classification: Uncertain significance for Ataxia-telangiectasia syndrome. Last evaluated: 2021-03-22. Review status: criteria provided, single submitter. Criteria: Invitae Variant Classification Sherloc (09022015). Collection method: clinical testing. Allele origin: germline.
Comment: In summary, the available evidence is currently insufficient to determine the role of this variant in disease. Therefore, it has been classified as a Variant of Uncertain Significance. Advanced modeling of protein sequence and biophysical properties (such as structural, functional, and spatial information, amino acid conservation, physicochemical variation, residue mobility, and thermodynamic stability) performed at Invitae indicates that this missense variant is not expected to disrupt ATM protein function. This variant has not been reported in the literature in individuals with ATM-related conditions. This variant is not present in population databases (ExAC no frequency). This sequence change replaces glycine with valine at codon 2083 of the ATM protein (p.Gly2083Val). The glycine residue is highly conserved and there is a moderate physicochemical difference between glycine and valine.

NM_000051.4(ATM):c.6248G>T (p.Gly2083Val)

Genes: ATM (ATM serine/threonine kinase; plus strand), C11orf65 (chromosome 11 open reading frame 65; minus strand). Cytogenetic location: 11q22.3.
Variant type: single nucleotide variant.
Coding change: c.6248G>T on transcript NM_000051.4 (MANE Select); coding-DNA position 6248, G replaced by T.
Protein change: p.Gly2083Val; replaces glycine 2083 with valine.
Molecular consequence: missense variant. On other transcripts: intron variant (2).
Genome position (GRCh38, 1-based): chr11:108,317,422, G>T. VCF-style: chr11-108317422-G-T. GRCh37 (hg19) VCF-style: chr11-108188149-G-T.
Other names: c.6248G>T, p.Gly2083Val (NM_001351834.2); c.641-8351C>A (NM_001330368.2); c.*39-8351C>A (NM_001351110.2); short protein forms G2083V.
Identifiers: ClinVar variation 1484386 (VCV001484386.8), dbSNP rs1060501559, ClinGen allele CA382551815.